The following is an entry in ClinVar:

ClinVar aggregate classification (germline): Uncertain significance. Review status: criteria provided, multiple submitters, no conflicts (2 of 4 stars). 2 submissions from 2 submitters: Uncertain significance (2). Last evaluated 2025-03-20.

Conditions:
Melnick-Needles syndrome (MNS). Also called: MELNICK-NEEDLES OSTEODYSPLASTY; OSTEODYSPLASTY OF MELNICK AND NEEDLES; Melnick-Needles Syndrome (FLNA-MNS). Identifiers: Orphanet 2484, MedGen C0025237, MONDO:0010650, OMIM 309350.
Frontometaphyseal dysplasia (FMD1). Identifiers: Orphanet 1826, MedGen C0265293, MONDO:0015942.
Oto-palato-digital syndrome, type II (OPD2). Also called: FACIOPALATOOSSEOUS SYNDROME; OPD II SYNDROME; Otopalatodigital Syndrome, Type II; Otopalatodigital Syndrome Type 2 (FLNA-OPD2). Identifiers: Orphanet 669, Orphanet 90652, MedGen C1844696, MONDO:0010571, OMIM 304120.
Heterotopia, periventricular, X-linked dominant (PVNH1). Also called: PERIVENTRICULAR NODULAR HETEROTOPIA 1; X-linked periventricular heterotopia; PERIVENTRICULAR NODULAR HETEROTOPIA 4; HETEROTOPIA, PERIVENTRICULAR, 1. Identifiers: Orphanet 2149, Orphanet 82004, MedGen C1848213, MONDO:0010233, OMIM 300049.

gnomAD v4.1: 4 of 1,211,234 alleles (0.00033%); highest among the groups gnomAD compares: Non-Finnish European, 0.00045%; no homozygotes.

Submissions (2):

GeneDx
Classification: Uncertain significance. Last evaluated: 2025-03-20. Review status: criteria provided, single submitter. Criteria: GeneDx Variant Classification Process June 2021. Collection method: clinical testing. Allele origin: germline.
Comment: Not observed at significant frequency in large population cohorts (gnomAD); In silico analysis supports that this missense variant has a deleterious effect on protein structure/function; Has not been previously published as pathogenic or benign to our knowledge

Labcorp Genetics (formerly Invitae), Labcorp
Classification: Uncertain significance for Oto-palato-digital syndrome, type II; Heterotopia, periventricular, X-linked dominant; Frontometaphyseal dysplasia; Melnick-Needles syndrome. Last evaluated: 2024-11-16. Review status: criteria provided, single submitter. Criteria: Invitae Variant Classification Sherloc (09022015). Collection method: clinical testing. Allele origin: germline.
Comment: This sequence change replaces proline, which is neutral and non-polar, with leucine, which is neutral and non-polar, at codon 1561 of the FLNA protein (p.Pro1561Leu). This variant is not present in population databases (gnomAD no frequency). This variant has not been reported in the literature in individuals affected with FLNA-related conditions. Invitae Evidence Modeling of protein sequence and biophysical properties (such as structural, functional, and spatial information, amino acid conservation, physicochemical variation, residue mobility, and thermodynamic stability) indicates that this missense variant is not expected to disrupt FLNA protein function with a negative predictive value of 95%. In summary, the available evidence is currently insufficient to determine the role of this variant in disease. Therefore, it has been classified as a Variant of Uncertain Significance.

NM_001110556.2(FLNA):c.4682C>T (p.Pro1561Leu)

Gene: FLNA (filamin A; minus strand). Cytogenetic location: Xq28.
Variant type: single nucleotide variant.
Coding change: c.4682C>T on transcript NM_001110556.2 (MANE Select); coding-DNA position 4682, C replaced by T.
Protein change: p.Pro1561Leu; replaces proline 1561 with leucine.
Molecular consequence: missense variant.
Genome position (GRCh38, 1-based): chrX:154,358,272, G>A on the plus strand (C>T on the coding strand, the complement: FLNA is on the minus strand). VCF-style: chrX-154358272-G-A. GRCh37 (hg19) VCF-style: chrX-153586640-G-A.
Other names: c.4682C>T, p.Pro1561Leu (NM_001456.4); short protein forms P1561L.
Identifiers: ClinVar variation 3391716 (VCV003391716.4).